The following is an entry in ClinVar:

ClinVar aggregate classification (germline): Uncertain significance. Review status: criteria provided, multiple submitters, no conflicts (2 of 4 stars). 2 submissions from 2 submitters: Uncertain significance (2). Last evaluated 2023-03-27.

Conditions:
Neurofibromatosis, type 1 (NF1). Also called: VON RECKLINGHAUSEN DISEASE; NEUROFIBROMATOSIS, TYPE I, SOMATIC; Peripheral type neurofibromatosis; Neurofibromatosis, type I. Identifiers: Orphanet 636, MedGen C0027831, MONDO:0018975, OMIM 162200. Disease mechanism: loss of function.
Cardiovascular phenotype. Identifiers: MedGen CN230736.
Hereditary cancer-predisposing syndrome. Also called: Hereditary neoplastic syndrome; Tumor predisposition; Neoplastic Syndromes, Hereditary; Hereditary Cancer Syndrome. Identifiers: Orphanet 140162, MedGen C0027672, MeSH D009386, MONDO:0015356.

Submissions (2):

Ambry Genetics
Classification: Uncertain significance for Cardiovascular phenotype; Hereditary cancer-predisposing syndrome. Last evaluated: 2023-03-27. Review status: criteria provided, single submitter. Criteria: Ambry Variant Classification Scheme 2023. Collection method: clinical testing. Allele origin: germline.
Comment: The p.P2771S variant (also known as c.8311C>T), located in coding exon 56 of the NF1 gene, results from a C to T substitution at nucleotide position 8311. The proline at codon 2771 is replaced by serine, an amino acid with similar properties. This amino acid position is conserved. In addition, this alteration is predicted to be tolerated by in silico analysis. Since supporting evidence is limited at this time, the clinical significance of this alteration remains unclear.

Labcorp Genetics (formerly Invitae), Labcorp
Classification: Uncertain significance for Neurofibromatosis, type 1. Last evaluated: 2019-07-02. Review status: criteria provided, single submitter. Criteria: Invitae Variant Classification Sherloc (09022015). Collection method: clinical testing. Allele origin: germline.
Comment: This sequence change replaces proline with serine at codon 2771 of the NF1 protein (p.Pro2771Ser). The proline residue is moderately conserved and there is a moderate physicochemical difference between proline and serine. This variant is not present in population databases (ExAC no frequency). This variant has not been reported in the literature in individuals with NF1-related conditions. Algorithms developed to predict the effect of missense changes on protein structure and function are either unavailable or do not agree on the potential impact of this missense change (SIFT: "Deleterious"; PolyPhen-2: "Probably Damaging"; Align-GVGD: "Class C0"). In summary, the available evidence is currently insufficient to determine the role of this variant in disease. Therefore, it has been classified as a Variant of Uncertain Significance.

NM_001042492.3(NF1):c.8374C>T (p.Pro2792Ser)

Gene: NF1 (neurofibromin 1; plus strand). Cytogenetic location: 17q11.2.
Variant type: single nucleotide variant.
Coding change: c.8374C>T on transcript NM_001042492.3 (MANE Select); coding-DNA position 8374, C replaced by T.
Protein change: p.Pro2792Ser; replaces proline 2792 with serine.
Molecular consequence: missense variant.
Genome position (GRCh38, 1-based): chr17:31,360,700, C>T. VCF-style: chr17-31360700-C-T. GRCh37 (hg19) VCF-style: chr17-29687718-C-T.
Other names: c.8311C>T, p.Pro2771Ser (NM_000267.4); short protein forms P2771S, P2792S.
Identifiers: ClinVar variation 948965 (VCV000948965.7), dbSNP rs2070377546, ClinGen allele CA399205150.